The following is an entry in ClinVar:

ClinVar aggregate classification (germline): Uncertain significance. Review status: criteria provided, multiple submitters, no conflicts (2 of 4 stars). 2 submissions from 2 submitters: Uncertain significance (2). Last evaluated 2022-07-06.

Conditions:
Cardiovascular phenotype. Identifiers: MedGen CN230736.
Dilated cardiomyopathy 1JJ (CMD1JJ). Identifiers: Orphanet 154, MedGen C3808935, MONDO:0014095, OMIM 615235.

Submissions (2):

Ambry Genetics
Classification: Uncertain significance for Cardiovascular phenotype. Last evaluated: 2022-07-06. Review status: criteria provided, single submitter. Criteria: Ambry Variant Classification Scheme 2023. Collection method: clinical testing. Allele origin: germline.
Comment: The p.M1095V variant (also known as c.3283A>G), located in coding exon 24 of the LAMA4 gene, results from an A to G substitution at nucleotide position 3283. The methionine at codon 1095 is replaced by valine, an amino acid with highly similar properties. This amino acid position is conserved. In addition, the in silico prediction for this alteration is inconclusive. Since supporting evidence is limited at this time, the clinical significance of this alteration remains unclear.

Labcorp Genetics (formerly Invitae), Labcorp
Classification: Uncertain significance for Dilated cardiomyopathy 1JJ. Last evaluated: 2020-07-15. Review status: criteria provided, single submitter. Criteria: Invitae Variant Classification Sherloc (09022015). Collection method: clinical testing. Allele origin: germline.
Comment: In summary, the available evidence is currently insufficient to determine the role of this variant in disease. Therefore, it has been classified as a Variant of Uncertain Significance. Algorithms developed to predict the effect of sequence changes on RNA splicing suggest that this variant may create or strengthen a splice site, but this prediction has not been confirmed by published transcriptional studies. Algorithms developed to predict the effect of missense changes on protein structure and function are either unavailable or do not agree on the potential impact of this missense change (SIFT: "Deleterious"; PolyPhen-2: "Possibly Damaging"; Align-GVGD: "Class C0"). This variant has not been reported in the literature in individuals with LAMA4-related conditions. This variant is not present in population databases (ExAC no frequency). This sequence change replaces methionine with valine at codon 1095 of the LAMA4 protein (p.Met1095Val). The methionine residue is highly conserved and there is a small physicochemical difference between methionine and valine.

NM_001105206.3(LAMA4):c.3304A>G (p.Met1102Val)

Gene: LAMA4 (laminin subunit alpha 4; minus strand). Cytogenetic location: 6q21.
Variant type: single nucleotide variant.
Coding change: c.3304A>G on transcript NM_001105206.3 (MANE Select); coding-DNA position 3304, A replaced by G.
Protein change: p.Met1102Val; replaces methionine 1102 with valine.
Molecular consequence: missense variant.
Genome position (GRCh38, 1-based): chr6:112,136,233, T>C on the plus strand (A>G on the coding strand, the complement: LAMA4 is on the minus strand). VCF-style: chr6-112136233-T-C. GRCh37 (hg19) VCF-style: chr6-112457435-T-C.
Other names: c.3283A>G, p.Met1095Val (NM_001105207.3, NM_002290.5); short protein forms M1095V, M1102V.
Identifiers: ClinVar variation 1051878 (VCV001051878.11), dbSNP rs2114675509, ClinGen allele CA365377722.